The following is an entry in ClinVar:

NM_203446.3(SYNJ1):c.1918_1921del (p.Val640fs)

Gene: SYNJ1 (synaptojanin 1; minus strand). Cytogenetic location: 21q22.11.
Variant type: Microsatellite.
Coding change: c.1918_1921del on transcript NM_203446.3 (MANE Select); coding-DNA positions 1918 to 1921, 4 bases deleted (GTTT; older notation c.1918_1921delGTTT).
Protein change: p.Val640fs; shifts the reading frame from valine 640.
Molecular consequence: frameshift variant.
Genome position (GRCh38, 1-based): chr21:32,666,464-32,666,467, AAAC deleted on the plus strand (GTTT on the coding strand, the reverse complement: SYNJ1 is on the minus strand); deleting any 4 consecutive bases within chr21:32,666,464-32,666,476 gives the same sequence; the c. name uses the placement nearest the transcript's 3' end. VCF-style (leftmost placement, unchanged base first): chr21-32666463-AAAAC-A. GRCh37 (hg19) VCF-style: chr21-34038773-AAAAC-A.
Other names: c.1909_1912TGTT[2], p.Val640Leufs (NM_001160302.2); c.1903_1906del, p.Val635fs (NM_001160306.2); c.2026_2029TGTT[2], p.Val679Leufs (NM_003895.4); short protein forms V640fs, V679fs, V635fs.
Identifiers: ClinVar variation 915309 (VCV000915309.11), dbSNP rs1488690709, ClinGen allele CA637645866.
Genomic context (GRCh38, chr21:32,666,463, plus strand): 5'-TAGCCTTAGAGGAGTGTTCTGTTTACTGACCTGATAAAAGGAGCATGCTGTGGTCTGATA[AAAAC>A]AAACAAACAGACGCCCACCAACTGTTCAGAAGCCAGCAGCACATACTTGTTGTCTCTGGA-3'

ClinVar aggregate classification (germline): Pathogenic/Likely pathogenic. Review status: criteria provided, multiple submitters, no conflicts (2 of 4 stars). 3 submissions from 3 submitters: Pathogenic (2); Likely pathogenic (1). Last evaluated 2022-10-08.

Conditions:
Early-onset Parkinson disease 20. Also called: PARKINSON DISEASE 20, AUTOSOMAL RECESSIVE EARLY-ONSET. Identifiers: Orphanet 391411, MedGen C3809824, MONDO:0014233, OMIM 615530.
Developmental and epileptic encephalopathy, 53. Also called: Epileptic encephalopathy, early infantile, 53. Identifiers: MedGen C4479313, MONDO:0033362, OMIM 617389.

Submissions (3):

Labcorp Genetics (formerly Invitae), Labcorp
Classification: Pathogenic for Developmental and epileptic encephalopathy, 53; Early-onset Parkinson disease 20. Last evaluated: 2022-10-08. Review status: criteria provided, single submitter. Criteria: Invitae Variant Classification Sherloc (09022015). Collection method: clinical testing. Allele origin: germline.
Comment: For these reasons, this variant has been classified as Pathogenic. Algorithms developed to predict the effect of sequence changes on RNA splicing suggest that this variant may disrupt the consensus splice site. ClinVar contains an entry for this variant (Variation ID: 915309). This variant has not been reported in the literature in individuals affected with SYNJ1-related conditions. The frequency data for this variant in the population databases is considered unreliable, as metrics indicate poor data quality at this position in the gnomAD database. This sequence change creates a premature translational stop signal (p.Val679Leufs*18) in the SYNJ1 gene. It is expected to result in an absent or disrupted protein product. Loss-of-function variants in SYNJ1 are known to be pathogenic (PMID: 25316601, 27435091).

Genomic Research Center, Shahid Beheshti University of Medical Sciences
Classification: Pathogenic. Last evaluated: 2020-05-03. Review status: criteria provided, single submitter. Criteria: ACMG Guidelines, 2015. Collection method: clinical testing. Allele origin: unknown. Affected: no.

Revvity Omics, Revvity
Classification: Likely pathogenic. Last evaluated: 2019-09-12. Review status: criteria provided, single submitter. Criteria: ACMG Guidelines, 2015. Collection method: clinical testing. Allele origin: germline.

Literature cited by the submitters: PubMed 25316601 (cited by Labcorp Genetics (formerly Invitae), Labcorp); PubMed 27435091 (cited by Labcorp Genetics (formerly Invitae), Labcorp).